The following is an entry in ClinVar:

ClinVar aggregate classification (germline): Uncertain significance. Review status: criteria provided, multiple submitters, no conflicts (2 of 4 stars). 2 submissions from 2 submitters: Uncertain significance (2). Last evaluated 2025-12-11.

Allele frequency attached by ClinVar (database versions not stated): TOPMed below 0.00001; gnomAD 0.00001.
gnomAD v4.1: 2 of 1,613,998 alleles (0.00012%); highest among the groups gnomAD compares: Non-Finnish European, 0.00017%; no homozygotes.

Submissions (2):

Labcorp Genetics (formerly Invitae), Labcorp
Classification: Uncertain significance. Last evaluated: 2025-12-11. Review status: criteria provided, single submitter. Criteria: Invitae Variant Classification Sherloc (09022015). Collection method: clinical testing. Allele origin: germline.
Comment: This sequence change replaces serine, which is neutral and polar, with asparagine, which is neutral and polar, at codon 922 of the NFKB1 protein (p.Ser922Asn). This variant is present in population databases (no rsID available, gnomAD 0.007%). This variant has not been reported in the literature in individuals affected with NFKB1-related conditions. ClinVar contains an entry for this variant (Variation ID: 2978244). An algorithm developed to predict the effect of missense changes on protein structure and function outputs the following: PolyPhen-2: "Benign". The asparagine amino acid residue is found in multiple mammalian species, which suggests that this missense change does not adversely affect protein function. In summary, the available evidence is currently insufficient to determine the role of this variant in disease. Therefore, it has been classified as a Variant of Uncertain Significance.

GeneDx
Classification: Uncertain significance. Last evaluated: 2024-09-05. Review status: criteria provided, single submitter. Criteria: GeneDx Variant Classification Process June 2021. Collection method: clinical testing. Allele origin: germline. Affected: yes.
Comment: Not observed at significant frequency in large population cohorts (gnomAD); In silico analysis indicates that this missense variant does not alter protein structure/function; Has not been previously published as pathogenic or benign to our knowledge

NM_003998.4(NFKB1):c.2765G>A (p.Ser922Asn)

Gene: NFKB1 (nuclear factor kappa B subunit 1; plus strand). Cytogenetic location: 4q24.
Variant type: single nucleotide variant.
Coding change: c.2765G>A on transcript NM_003998.4 (MANE Select); coding-DNA position 2765, G replaced by A.
Protein change: p.Ser922Asn; replaces serine 922 with asparagine.
Molecular consequence: missense variant.
Genome position (GRCh38, 1-based): chr4:102,616,449, G>A. VCF-style: chr4-102616449-G-A. GRCh37 (hg19) VCF-style: chr4-103537606-G-A.
Other names: c.2765G>A (NM_003998.3); c.2762G>A, p.Ser921Asn (NM_001319226.2, NM_001382627.1, NM_001165412.2); c.2765G>A, p.Ser922Asn (NM_001382625.1, NM_001382626.1); c.2723G>A, p.Ser908Asn (NM_001382628.1); short protein forms S921N, S908N, S922N.
Identifiers: ClinVar variation 2978244 (VCV002978244.4), dbSNP rs1365780728, ClinGen allele CA357755705.